The following is an entry in ClinVar:

ClinVar aggregate classification (germline): Pathogenic (1 of 4 stars; one submission).

Conditions:
Arrhythmogenic cardiomyopathy with wooly hair and keratoderma. Also called: PALMOPLANTAR KERATODERMA WITH LEFT VENTRICULAR CARDIOMYOPATHY AND WOOLLY HAIR; Carvajal syndrome; Arrhythmogenic cardiomyopathy with woolly hair and keratoderma; Dilated cardiomyopathy with woolly hair and keratoderma. Identifiers: Orphanet 65282, MedGen C1854063, MONDO:0011581, OMIM 605676.
Arrhythmogenic right ventricular dysplasia 8 (ARVD8). Also called: Arrhythmogenic Right Ventricular Dysplasia/Cardiomyopathy 8; ARRHYTHMOGENIC RIGHT VENTRICULAR CARDIOMYOPATHY 8; ARRHYTHMOGENIC RIGHT VENTRICULAR DYSPLASIA, FAMILIAL, 8. Identifiers: MedGen C1843896, MONDO:0011831, OMIM 607450.

Submission:

Labcorp Genetics (formerly Invitae), Labcorp
Classification: Pathogenic for Arrhythmogenic cardiomyopathy with wooly hair and keratoderma; Arrhythmogenic right ventricular dysplasia 8. Last evaluated: 2022-07-25. Review status: criteria provided, single submitter. Criteria: Invitae Variant Classification Sherloc (09022015). Collection method: clinical testing. Allele origin: germline.
Comment: For these reasons, this variant has been classified as Pathogenic. This sequence change creates a premature translational stop signal (p.Glu1671Asnfs*10) in the DSP gene. It is expected to result in an absent or disrupted protein product. Loss-of-function variants in DSP are known to be pathogenic (PMID: 20716751, 24503780, 25227139). This variant is not present in population databases (gnomAD no frequency). This variant has not been reported in the literature in individuals affected with DSP-related conditions.

Literature cited by the submitters: PubMed 20716751; PubMed 24503780; PubMed 25227139.

NM_004415.4(DSP):c.5011del (p.Glu1671fs)

Gene: DSP (desmoplakin; plus strand). Cytogenetic location: 6p24.3.
Variant type: Deletion.
Coding change: c.5011del on transcript NM_004415.4 (MANE Select); coding-DNA position 5011, one base deleted (G; older notation c.5011delG).
Protein change: p.Glu1671fs; shifts the reading frame from glutamic acid 1671.
Molecular consequence: frameshift variant. On other transcripts: intron variant (2).
Genome position (GRCh38, 1-based): chr6:7,581,201, G deleted; the last of 2 consecutive G bases (chr6:7,581,200-7,581,201); deleting either gives the same sequence. VCF-style (leftmost placement, unchanged base first): chr6-7581199-AG-A. GRCh37 (hg19) VCF-style: chr6-7581432-AG-A.
Other names: c.4050+961del (NM_001319034.2); c.3582+1429del (NM_001008844.3); short protein forms E1671fs.
Identifiers: ClinVar variation 2019548 (VCV002019548.4), dbSNP rs2533931293, ClinGen allele CA2580075403.
Genomic context (GRCh38, chr6:7,581,199, plus strand): 5'-CCCAGGAAGAGCTGAGGAGGCTCTCTTCTGAGGTCGAGGCCCTGAGGCGGCAGTTACTCC[AG>A]GAACAGGAAAGTGTCAAACAAGCTCACTTGAGGAATGAGCATTTCCAGAAGGCGATAGAA-3'